The following is an entry in ClinVar:

ClinVar aggregate classification (germline): Uncertain significance (1 of 4 stars; one submission).

Submission:

GeneDx
Classification: Uncertain significance. Last evaluated: 2023-05-19. Review status: criteria provided, single submitter. Criteria: GeneDx Variant Classification Process June 2021. Collection method: clinical testing. Allele origin: germline. Affected: yes.
Comment: Not observed at significant frequency in large population cohorts (gnomAD); In silico analysis supports that this missense variant has a deleterious effect on protein structure/function; Has not been previously published as pathogenic or benign to our knowledge

NM_057175.5(NAA15):c.610G>T (p.Gly204Cys)

Gene: NAA15 (N-alpha-acetyltransferase 15, NatA auxiliary subunit; plus strand). Cytogenetic location: 4q31.1.
Variant type: single nucleotide variant.
Coding change: c.610G>T on transcript NM_057175.5 (MANE Select); coding-DNA position 610, G replaced by T.
Protein change: p.Gly204Cys; replaces glycine 204 with cysteine.
Molecular consequence: missense variant.
Genome position (GRCh38, 1-based): chr4:139,344,258, G>T. VCF-style: chr4-139344258-G-T. GRCh37 (hg19) VCF-style: chr4-140265412-G-T.
Other names: c.610G>T, p.Gly204Cys (NM_001410842.1, NM_025085.2); short protein forms G204C.
Identifiers: ClinVar variation 2662645 (VCV002662645.1), dbSNP rs1360713332, ClinGen allele CA358260696.